The following is an entry in ClinVar:

ClinVar aggregate classification (germline): Uncertain significance (1 of 4 stars; one submission).

Allele frequency attached by ClinVar (database versions not stated): gnomAD exomes 0.00001; gnomAD 0.00002; TOPMed 0.00002; ExAC 0.00003.
gnomAD v4.1: 21 of 1,613,940 alleles (0.0013%); highest among the groups gnomAD compares: Non-Finnish European, 0.0017%; no homozygotes.

Submission:

Labcorp Genetics (formerly Invitae), Labcorp
Classification: Uncertain significance. Last evaluated: 2023-11-10. Review status: criteria provided, single submitter. Criteria: Invitae Variant Classification Sherloc (09022015). Collection method: clinical testing. Allele origin: germline.
Comment: This sequence change replaces alanine, which is neutral and non-polar, with threonine, which is neutral and polar, at codon 134 of the ASXL1 protein (p.Ala134Thr). This variant is present in population databases (rs777619874, gnomAD 0.006%). This variant has not been reported in the literature in individuals affected with ASXL1-related conditions. An algorithm developed to predict the effect of missense changes on protein structure and function (PolyPhen-2) suggests that this variant is likely to be disruptive. In summary, the available evidence is currently insufficient to determine the role of this variant in disease. Therefore, it has been classified as a Variant of Uncertain Significance.

NM_015338.6(ASXL1):c.400G>A (p.Ala134Thr)

Gene: ASXL1 (ASXL transcriptional regulator 1; plus strand). Cytogenetic location: 20q11.21.
Variant type: single nucleotide variant.
Coding change: c.400G>A on transcript NM_015338.6 (MANE Select); coding-DNA position 400, G replaced by A.
Protein change: p.Ala134Thr; replaces alanine 134 with threonine.
Molecular consequence: missense variant.
Genome position (GRCh38, 1-based): chr20:32,428,351, G>A. VCF-style: chr20-32428351-G-A. GRCh37 (hg19) VCF-style: chr20-31016154-G-A.
Other names: c.370G>A, p.Ala124Thr (NM_001363734.1); short protein forms A124T, A134T.
Identifiers: ClinVar variation 2988860 (VCV002988860.3), dbSNP rs777619874, ClinGen allele CA9808080.
Genomic context (GRCh38, chr20:32,428,351, plus strand): 5'-ACTAGGGACTAACCTTTATTTTCCTCTCTTCCAGTATCTCTTGATGAAACATCTTCGAAC[G>A]CATCCTGTTCTACAGAATCTCAGAGTCGACCTCTTTCCAATCCCAGGGACAGCTACAGAG-3'
Protein context (NP_056153.2, residues 124-144): DVSLDETSSN[Ala134Thr]SCSTESQSRP